The following is an entry in ClinVar:

ClinVar aggregate classification (germline): Likely benign. Review status: criteria provided, multiple submitters, no conflicts (2 of 4 stars). 4 submissions from 4 submitters: Likely benign (4). Last evaluated 2024-09-06.

Conditions:
Cardiovascular phenotype. Identifiers: MedGen CN230736.
Dilated cardiomyopathy 1G (CMD1G). Identifiers: Orphanet 154, MedGen C1858763, MONDO:0011400, OMIM 604145.
Autosomal recessive limb-girdle muscular dystrophy type 2J (LGMDR10). Also called: Limb-girdle muscular dystrophy, type 2J; MUSCULAR DYSTROPHY, LIMB-GIRDLE, AUTOSOMAL RECESSIVE 10. Identifiers: Orphanet 140922, MedGen C1837342, MONDO:0012127, OMIM 608807.

Allele frequency attached by ClinVar (database versions not stated): ExAC 0.00001; gnomAD 0.00001; gnomAD exomes 0.00001; TOPMed 0.00001.
gnomAD v4.1: 13 of 1,613,744 alleles (0.00081%); highest among the groups gnomAD compares: Non-Finnish European, 0.0011%; no homozygotes.

Submissions (4):

Blueprint Genetics
Classification: Likely benign. Last evaluated: 2024-09-06. Review status: criteria provided, single submitter. Criteria: ACMG Guidelines, 2015. Collection method: clinical testing. Allele origin: germline.

Labcorp Genetics (formerly Invitae), Labcorp
Classification: Likely benign for Dilated cardiomyopathy 1G; Autosomal recessive limb-girdle muscular dystrophy type 2J. Last evaluated: 2024-02-20. Review status: criteria provided, single submitter. Criteria: Invitae Variant Classification Sherloc (09022015). Collection method: clinical testing. Allele origin: germline.

Ambry Genetics
Classification: Likely benign for Cardiovascular phenotype. Last evaluated: 2023-09-22. Review status: criteria provided, single submitter. Criteria: Ambry Variant Classification Scheme 2023. Collection method: clinical testing. Allele origin: germline.

CeGaT Center for Human Genetics Tuebingen
Classification: Likely benign. Last evaluated: 2023-01-01. Review status: criteria provided, single submitter. Criteria: CeGaT Center For Human Genetics Tuebingen Variant Classification Criteria Version 2. Collection method: clinical testing. Allele origin: germline. Affected: yes. Observed: 1 variant allele.
Comment: TTN: BP4, BP7

NM_001267550.2(TTN):c.102078T>C (p.Asn34026=)

Genes: TTN (titin; minus strand), TTN-AS1 (TTN antisense RNA 1; plus strand). Cytogenetic location: 2q31.2.
Variant type: single nucleotide variant.
Coding change: c.102078T>C on transcript NM_001267550.2 (MANE Select); coding-DNA position 102078, T replaced by C.
Protein change: p.Asn34026=; no amino-acid change (asparagine 34026 retained).
Molecular consequence: synonymous variant.
Genome position (GRCh38, 1-based): chr2:178,534,537, A>G on the plus strand (T>C on the coding strand, the complement: TTN is on the minus strand). VCF-style: chr2-178534537-A-G. GRCh37 (hg19) VCF-style: chr2-179399264-A-G.
Other names: c.97155T>C, p.Asn32385= (NM_001256850.1); c.74883T>C, p.Asn24961= (NM_003319.4); c.94374T>C, p.Asn31458= (NM_133378.4); c.75258T>C, p.Asn25086= (NM_133432.3); c.75459T>C, p.Asn25153= (NM_133437.4).
Identifiers: ClinVar variation 739155 (VCV000739155.37), dbSNP rs774398198, ClinGen allele CA1985813.